The following is an entry in ClinVar:

ClinVar aggregate classification (germline): Uncertain significance (0 of 4 stars; one submission).

Conditions:
ANKRD11-related disorder. Also called: ANKRD11-related condition.

Allele frequency attached by ClinVar (database versions not stated): gnomAD exomes below 0.00001.
gnomAD v4.1: 1 of 1,613,158 alleles (0.000062%); highest among the groups gnomAD compares: Non-Finnish European, 0.000085%; no homozygotes.

Submission:

PreventionGenetics, part of Exact Sciences
Classification: Uncertain significance for ANKRD11-related condition. Last evaluated: 2023-12-21. Review status: no assertion criteria provided. Collection method: clinical testing. Allele origin: germline.
Comment: The ANKRD11 c.2119G>A variant is predicted to result in the amino acid substitution p.Glu707Lys. To our knowledge, this variant has not been reported in the literature or in a large population database, indicating this variant is rare. At this time, the clinical significance of this variant is uncertain due to the absence of conclusive functional and genetic evidence.

NM_013275.6(ANKRD11):c.2119G>A (p.Glu707Lys)

Gene: ANKRD11 (ankyrin repeat domain containing 11; minus strand). Cytogenetic location: 16q24.3.
Variant type: single nucleotide variant.
Coding change: c.2119G>A on transcript NM_013275.6 (MANE Select); coding-DNA position 2119, G replaced by A.
Protein change: p.Glu707Lys; replaces glutamic acid 707 with lysine.
Molecular consequence: missense variant.
Genome position (GRCh38, 1-based): chr16:89,284,423, C>T on the plus strand (G>A on the coding strand, the complement: ANKRD11 is on the minus strand). VCF-style: chr16-89284423-C-T. GRCh37 (hg19) VCF-style: chr16-89350831-C-T.
Other names: c.2119G>A, p.Glu707Lys (NM_001256182.2, NM_001256183.2); short protein forms E707K.
Identifiers: ClinVar variation 3030131 (VCV003030131.2), dbSNP rs2544242497, ClinGen allele CA397163150.